The following is an entry in ClinVar:

NM_000186.4(CFH):c.1405T>G (p.Leu469Val)

Gene: CFH (complement factor H; plus strand). Cytogenetic location: 1q31.3.
Variant type: single nucleotide variant.
Coding change: c.1405T>G on transcript NM_000186.4 (MANE Select); coding-DNA position 1405, T replaced by G.
Protein change: p.Leu469Val; replaces leucine 469 with valine.
Molecular consequence: missense variant.
Genome position (GRCh38, 1-based): chr1:196,713,803, T>G. VCF-style: chr1-196713803-T-G. GRCh37 (hg19) VCF-style: chr1-196682933-T-G.
Other names: short protein forms L469V.
Identifiers: ClinVar variation 3378223 (VCV003378223.2).

ClinVar aggregate classification (germline): Uncertain significance (1 of 4 stars; one submission).

Submission:

GeneDx
Classification: Uncertain significance. Last evaluated: 2025-09-26. Review status: criteria provided, single submitter. Criteria: GeneDx Variant Classification Process June 2021. Collection method: clinical testing. Allele origin: germline. Affected: yes.
Comment: Not observed at significant frequency in large population cohorts (gnomAD); In silico analysis suggests that this missense variant does not alter protein structure/function; Has not been previously published as pathogenic or benign to our knowledge